The following is an entry in ClinVar:

ClinVar aggregate classification (germline): Likely pathogenic (1 of 4 stars; one submission).

Conditions:
TAX1BP3-related arrhythmogenic right ventricular cardiomyopathy.

Submission:

Undiagnosed Diseases Network, NIH
Classification: Likely pathogenic for TAX1BP3-related arrhythmogenic right ventricular cardiomyopathy. Last evaluated: 2018-11-27. Review status: criteria provided, single submitter. Criteria: ACMG Guidelines, 2015. Collection method: clinical testing. Allele origin: paternal, unknown. Inheritance: Autosomal recessive inheritance. Affected: yes and no. Observed: 4 variant alleles, 1 heterozygote, 3 compound heterozygotes. Clinical features observed: Type I diabetes mellitus (HP:0100651), Tachycardia (HP:0001649), Speech apraxia (HP:0011098), Short philtrum (HP:0000322), Right ventricular cardiomyopathy (HP:0011663), Enuresis (HP:0000805), Attention deficit hyperactivity disorder (HP:0007018).
Comment: Exome sequencing showed that all three brothers are hemizygous, the mother is heterozygous, and the father is negative for this change. Concurrent array analysis revealed a heterozygous copy number loss of approximately 238 Kb in size (genomic position chr17:3394299- 3632836) in all three brothers. This large deletion encompasses the entire TAX1BP3 gene. SNP arrays detected this deletion as heterozygous in all three brothers and the father. Therefore, the 238 Kb deletion and the c.233T>C (p.M78T) variant are located on two chromosomes (in trans configuration). We believe the combination of the missense variant and deletion in trans is likely pathogenic.

Single allele

Genes: TAX1BP3 (Tax1 binding protein 3; minus strand), TRPV1 (transient receptor potential cation channel subfamily V member 1; minus strand), ASPA (aspartoacylase; plus strand), CTNS (cystinosin, lysosomal cystine transporter; plus strand), EMC6 (ER membrane protein complex subunit 6; plus strand) and 5 more. Cytogenetic location: 17p13.2.
Variant type: Deletion.
Identifiers: ClinVar variation 598746 (VCV000598746.3).